The following is an entry in ClinVar:

ClinVar aggregate classification (germline): Uncertain significance (1 of 4 stars; one submission).

Conditions:
Marfan syndrome (MFS). Also called: MARFAN SYNDROME, TYPE I; Marfan syndrome type 1; Marfan's syndrome; Marfan syndrome, classic; FBN1-Related Marfan Syndrome. Identifiers: Orphanet 284963, Orphanet 558, MedGen C0024796, MONDO:0007947, OMIM 154700.
Familial thoracic aortic aneurysm and aortic dissection (TAAD). Also called: Thoracic aortic aneurysms and dissections. Identifiers: Orphanet 91387, MedGen C4707243, MONDO:0019625.

Submission:

Labcorp Genetics (formerly Invitae), Labcorp
Classification: Uncertain significance for Marfan syndrome; Familial thoracic aortic aneurysm and aortic dissection. Last evaluated: 2023-10-24. Review status: criteria provided, single submitter. Criteria: Invitae Variant Classification Sherloc (09022015). Collection method: clinical testing. Allele origin: germline.
Comment: This sequence change replaces proline, which is neutral and non-polar, with serine, which is neutral and polar, at codon 1764 of the FBN1 protein (p.Pro1764Ser). This variant is not present in population databases (gnomAD no frequency). This variant has not been reported in the literature in individuals affected with FBN1-related conditions. Advanced modeling of protein sequence and biophysical properties (such as structural, functional, and spatial information, amino acid conservation, physicochemical variation, residue mobility, and thermodynamic stability) performed at Invitae indicates that this missense variant is not expected to disrupt FBN1 protein function with a negative predictive value of 95%. In summary, the available evidence is currently insufficient to determine the role of this variant in disease. Therefore, it has been classified as a Variant of Uncertain Significance.

NM_000138.5(FBN1):c.5290C>T (p.Pro1764Ser)

Gene: FBN1 (fibrillin 1; minus strand). Cytogenetic location: 15q21.1.
Variant type: single nucleotide variant.
Coding change: c.5290C>T on transcript NM_000138.5 (MANE Select); coding-DNA position 5290, C replaced by T.
Protein change: p.Pro1764Ser; replaces proline 1764 with serine.
Molecular consequence: missense variant.
Genome position (GRCh38, 1-based): chr15:48,460,252, G>A on the plus strand (C>T on the coding strand, the complement: FBN1 is on the minus strand). VCF-style: chr15-48460252-G-A. GRCh37 (hg19) VCF-style: chr15-48752449-G-A.
Other names: c.5290C>T, p.Pro1764Ser (NM_001406716.1); short protein forms P1764S.
Identifiers: ClinVar variation 2953264 (VCV002953264.3), dbSNP rs2505485396, ClinGen allele CA392347961.